The following is an entry in ClinVar:

NM_001458.5(FLNC):c.2568C>T (p.Pro856=)

Gene: FLNC (filamin C; plus strand). Cytogenetic location: 7q32.1.
Variant type: single nucleotide variant.
Coding change: c.2568C>T on transcript NM_001458.5 (MANE Select); coding-DNA position 2568, C replaced by T.
Protein change: p.Pro856=; no amino-acid change (proline 856 retained).
Molecular consequence: synonymous variant.
Genome position (GRCh38, 1-based): chr7:128,843,246, C>T. VCF-style: chr7-128843246-C-T. GRCh37 (hg19) VCF-style: chr7-128483300-C-T.
Other names: c.2568C>T, p.Pro856= (NM_001127487.2).
Identifiers: ClinVar variation 472013 (VCV000472013.53), dbSNP rs201611050, ClinGen allele CA4474783.

ClinVar aggregate classification (germline): Benign/Likely benign. Review status: criteria provided, multiple submitters, no conflicts (2 of 4 stars). 6 submissions from 6 submitters: Benign (3); Likely benign (3). Last evaluated 2026-08-01.

Conditions:
Distal myopathy with posterior leg and anterior hand involvement. Also called: WILLIAMS DISTAL MYOPATHY. Identifiers: Orphanet 63273, MedGen C3279722, MONDO:0013550, OMIM 614065.
Hypertrophic cardiomyopathy 26. Also called: Cardiomyopathy, familial hypertrophic, 26. Identifiers: Orphanet 75249, MedGen C4310749, MONDO:0014883, OMIM 617047.
Myofibrillar myopathy 5. Also called: Filaminopathy (type); FILAMINOPATHY, AUTOSOMAL DOMINANT. Identifiers: Orphanet 171445, MedGen C1836050, MONDO:0012289, OMIM 609524.
Cardiovascular phenotype. Identifiers: MedGen CN230736.

Allele frequency attached by ClinVar (database versions not stated): 1000 Genomes Project 30x 0.00016; 1000 Genomes Project 0.00020; gnomAD exomes 0.00022 and 0.00050; gnomAD 0.00032 and 0.00033; TOPMed 0.00032; ESP Exome Variant Server 0.00048; ExAC 0.00093.
gnomAD v4.1: 385 of 1,605,320 alleles (0.024%); highest among the groups gnomAD compares: Admixed American, 0.0068%; no homozygotes.

Submissions (6):

CeGaT Center for Human Genetics Tuebingen
Classification: Likely benign. Last evaluated: 2026-08-01. Review status: criteria provided, single submitter. Criteria: CeGaT Center For Human Genetics Tuebingen Variant Classification Criteria Version 2. Collection method: clinical testing. Allele origin: germline. Affected: yes. Observed: 26 variant alleles.
Comment: FLNC: BP4, BP7

Labcorp Genetics (formerly Invitae), Labcorp
Classification: Benign for Distal myopathy with posterior leg and anterior hand involvement; Myofibrillar myopathy 5; Hypertrophic cardiomyopathy 26. Last evaluated: 2026-01-27. Review status: criteria provided, single submitter. Criteria: Invitae Variant Classification Sherloc (09022015). Collection method: clinical testing. Allele origin: germline.

Blueprint Genetics
Classification: Likely benign. Last evaluated: 2024-04-02. Review status: criteria provided, single submitter. Criteria: ACMG Guidelines, 2015. Collection method: clinical testing. Allele origin: germline.

Women's Health and Genetics/Laboratory Corporation of America, LabCorp
Classification: Benign. Last evaluated: 2023-08-19. Review status: criteria provided, single submitter. Criteria: LabCorp Variant Classification Summary - May 2015. Collection method: clinical testing. Allele origin: germline.

GeneDx
Classification: Benign. Last evaluated: 2021-06-21. Review status: criteria provided, single submitter. Criteria: GeneDx Variant Classification Process June 2021. Collection method: clinical testing. Allele origin: germline. Affected: yes.

Ambry Genetics
Classification: Likely benign for Cardiovascular phenotype. Last evaluated: 2018-12-28. Review status: criteria provided, single submitter. Criteria: Ambry Variant Classification Scheme 2023. Collection method: clinical testing. Allele origin: germline.